The following is an entry in ClinVar:

NM_181458.4(PAX3):c.1420+104G>A

Gene: PAX3 (paired box 3; minus strand). Cytogenetic location: 2q36.1.
Variant type: single nucleotide variant.
Coding change: c.1420+104G>A on transcript NM_181458.4 (MANE Select); 104 bases into the intron after coding-DNA position 1420, G replaced by A.
Molecular consequence: intron variant. On other transcripts: 3 prime UTR variant (1).
Genome position (GRCh38, 1-based): chr2:222,201,840, C>T on the plus strand (G>A on the coding strand, the complement: PAX3 is on the minus strand). VCF-style: chr2-222201840-C-T. GRCh37 (hg19) VCF-style: chr2-223066559-C-T.
Other names: c.*84G>A (NM_181457.4); c.1417+104G>A (NM_001127366.3); c.1174-398G>A (NM_181460.4, NM_181461.4); c.1420+104G>A (NM_181459.4).
Identifiers: ClinVar variation 334555 (VCV000334555.5), dbSNP rs142988099, ClinGen allele CA10612543.

ClinVar aggregate classification (germline): Benign. Review status: criteria provided, single submitter (1 of 4 stars). 2 submissions from 1 submitter: Benign (2). Last evaluated 2018-01-12.

Conditions:
Waardenburg syndrome. Also called: Waardenburg's syndrome. Identifiers: Orphanet 3440, MedGen C3266898, MONDO:0018094.
Craniofacial-deafness-hand syndrome (CDHS). Identifiers: Orphanet 1529, MedGen C1852510, MONDO:0007395, OMIM 122880.

Allele frequency attached by ClinVar (database versions not stated): gnomAD exomes 0.00121; gnomAD 0.01182 and 0.01258; TOPMed 0.01368; 1000 Genomes Project 0.01518; 1000 Genomes Project 30x 0.01640.
gnomAD v4.1: 3,577 of 1,599,036 alleles (0.22%); highest among the groups gnomAD compares: African/African-American, 4.3%; 64 homozygotes.

Submissions (2):

Illumina Laboratory Services, Illumina
Classification: Benign for Waardenburg syndrome. Last evaluated: 2018-01-12. Review status: criteria provided, single submitter. Criteria: ICSL Variant Classification Criteria 13 December 2019. Collection method: clinical testing. Allele origin: germline.
Comment: This variant was observed in the ICSL laboratory as part of a predisposition screen in an ostensibly healthy population. It had not been previously curated by ICSL or reported in the Human Gene Mutation Database (HGMD: prior to June 1st, 2018), and was therefore a candidate for classification through an automated scoring system. Utilizing variant allele frequency, disease prevalence and penetrance estimates, and inheritance mode, an automated score was calculated to assess if this variant is too frequent to cause the disease. Based on the score and internal cut-off values, a variant classified as benign is not then subjected to further curation. The score for this variant resulted in a classification of benign for this disease.

Illumina Laboratory Services, Illumina
Classification: Benign for Craniofacial-deafness-hand syndrome. Last evaluated: 2018-01-12. Review status: criteria provided, single submitter. Criteria: ICSL Variant Classification Criteria 13 December 2019. Collection method: clinical testing. Allele origin: germline.
Comment: the same text as in the submission from Illumina Laboratory Services, Illumina above.